The following is an entry in ClinVar:

NM_000081.4(LYST):c.7647G>A (p.Gln2549=)

Gene: LYST (lysosomal trafficking regulator; minus strand). Cytogenetic location: 1q42.3.
Variant type: single nucleotide variant.
Coding change: c.7647G>A on transcript NM_000081.4 (MANE Select); coding-DNA position 7647, G replaced by A.
Protein change: p.Gln2549=; no amino-acid change (glutamine 2549 retained).
Molecular consequence: synonymous variant.
Genome position (GRCh38, 1-based): chr1:235,751,343, C>T on the plus strand (G>A on the coding strand, the complement: LYST is on the minus strand). VCF-style: chr1-235751343-C-T. GRCh37 (hg19) VCF-style: chr1-235914643-C-T.
Other names: c.7647G>A, p.Gln2549= (NM_001301365.1).
Identifiers: ClinVar variation 625975 (VCV000625975.2), dbSNP rs1666476615, ClinGen allele CA423773919.
Genomic context (GRCh38, chr1:235,751,343, plus strand): 5'-TTCAGAGTCATGATTTGCGGTGGTCCTTATAAATTCCATAGCAGCCTGGAGAACTCTAAG[C>T]TGTAGTGCAACAGCCATATCTAAAAACAGAAGATACTAGAATGTTTTCAAGCTATGTGGT-3'
Protein context (NP_000072.2, residues 2539-2559): KRTQNMAVAL[Gln2549=]LRVLQAAMEF

ClinVar aggregate classification (germline): Uncertain significance (1 of 4 stars; one submission).

Conditions:
Chédiak-Higashi syndrome (CHS). Also called: Chediak-Higashi Syndrome. Identifiers: Orphanet 167, MedGen C0007965, MONDO:0008963, OMIM 214500.

Allele frequency attached by ClinVar (database versions not stated): gnomAD exomes 0.00001; TOPMed 0.00001.
gnomAD v4.1: 3 of 1,613,626 alleles (0.00019%); highest among the groups gnomAD compares: Non-Finnish European, 0.00025%; no homozygotes.

Submission:

Center for Genomics, Ann and Robert H. Lurie Children's Hospital of Chicago
Classification: Uncertain significance for Chédiak-Higashi syndrome. Last evaluated: 2021-03-30. Review status: criteria provided, single submitter. Criteria: ACMG Guidelines, 2015. Collection method: clinical testing. Allele origin: germline.
Comment: LYST NM_000081.3 exon 28 p.Gln2549= (c.7647G>A): This variant has not been reported in the literature and is not present in large control databases. Evolutionary conservation and computational predictive tools for this variant are limited or unavailable. Of note, this variant is a silent variant and does not change the amino acid, reducing the probability that this variant is disease causing. In summary, data on this variant is insufficient for disease classification. Therefore, the clinical significance of this variant is uncertain.